The following is an entry in ClinVar:

NM_004525.3(LRP2):c.12445G>A (p.Val4149Met)

Gene: LRP2 (LDL receptor related protein 2; minus strand). Cytogenetic location: 2q31.1.
Variant type: single nucleotide variant.
Coding change: c.12445G>A on transcript NM_004525.3 (MANE Select); coding-DNA position 12445, G replaced by A.
Protein change: p.Val4149Met; replaces valine 4149 with methionine.
Molecular consequence: missense variant.
Genome position (GRCh38, 1-based): chr2:169,152,815, C>T on the plus strand (G>A on the coding strand, the complement: LRP2 is on the minus strand). VCF-style: chr2-169152815-C-T. GRCh37 (hg19) VCF-style: chr2-170009325-C-T.
Other names: short protein forms V4149M.
Identifiers: ClinVar variation 1308772 (VCV001308772.2), dbSNP rs2105356586, ClinGen allele CA349134755.
Genomic context (GRCh38, chr2:169,152,815, plus strand): 5'-CAGGAAAACAGAACAGGTAAGGGGGGAATGTATGGCAAATTTACCTTCCAACCCAGTCCA[C>T]TGCTATTCCATCTGGCTGCATTACGTATTTCAGTTTCAGGTCAACTTCCTGCACAAGATT-3'
Protein context (NP_004516.2, residues 4139-4159): KYVMQPDGIA[Val4149Met]DWVGRHIYWS

ClinVar aggregate classification (germline): Uncertain significance (1 of 4 stars; one submission).

Allele frequency attached by ClinVar (database versions not stated): gnomAD exomes below 0.00001.
gnomAD v4.1: 1 of 1,614,050 alleles (0.000062%); highest among the groups gnomAD compares: Non-Finnish European, 0.000085%; no homozygotes.

Submission:

GeneDx
Classification: Uncertain significance. Last evaluated: 2019-10-04. Review status: criteria provided, single submitter. Criteria: GeneDx Variant Classification Process June 2021. Collection method: clinical testing. Allele origin: germline. Affected: yes.
Comment: Not observed in large population cohorts (Lek et al., 2016); In silico analysis, which includes protein predictors and evolutionary conservation, supports that this variant does not alter protein structure/function; Has not been previously published as pathogenic or benign to our knowledge